The following is an entry in ClinVar:

NM_004523.4(KIF11):c.1570G>A (p.Asp524Asn)

Gene: KIF11 (kinesin family member 11; plus strand). Cytogenetic location: 10q23.33.
Variant type: single nucleotide variant.
Coding change: c.1570G>A on transcript NM_004523.4 (MANE Select); coding-DNA position 1570, G replaced by A.
Protein change: p.Asp524Asn; replaces aspartic acid 524 with asparagine.
Molecular consequence: missense variant.
Genome position (GRCh38, 1-based): chr10:92,632,561, G>A. VCF-style: chr10-92632561-G-A. GRCh37 (hg19) VCF-style: chr10-94392318-G-A.
Other names: short protein forms D524N.
Identifiers: ClinVar variation 4540154 (VCV004540154.2).

ClinVar aggregate classification (germline): Uncertain significance. Review status: criteria provided, multiple submitters, no conflicts (2 of 4 stars). 2 submissions from 2 submitters: Uncertain significance (2). Last evaluated 2025-06-24.

Submissions (2):

GeneDx
Classification: Uncertain significance. Last evaluated: 2025-06-24. Review status: criteria provided, single submitter. Criteria: GeneDx Variant Classification Process June 2021. Collection method: clinical testing. Allele origin: germline. Affected: yes.
Comment: Not observed at significant frequency in large population cohorts (gnomAD); In silico analysis suggests that this missense variant does not alter protein structure/function; Has not been previously published as pathogenic or benign to our knowledge

Blueprint Genetics
Classification: Uncertain significance. Last evaluated: 2022-06-27. Review status: criteria provided, single submitter. Criteria: ACMG Guidelines, 2015. Collection method: clinical testing. Allele origin: germline.